The following is an entry in ClinVar:

ClinVar aggregate classification (germline): Benign. Review status: criteria provided, multiple submitters, no conflicts (2 of 4 stars). 2 submissions from 2 submitters: Benign (2). Last evaluated 2018-01-13.

Conditions:
Peroxisome biogenesis disorder 5A (Zellweger) (PBD5A). Identifiers: Orphanet 912, MedGen C3553940, MONDO:0013932, OMIM 614866.

Allele frequency attached by ClinVar (database versions not stated): gnomAD 0.01081 and 0.01167; TOPMed 0.01134; 1000 Genomes Project 30x 0.01593; 1000 Genomes Project 0.01637.

Submissions (2):

Illumina Laboratory Services, Illumina
Classification: Benign for Peroxisome biogenesis disorder 5A (Zellweger). Last evaluated: 2018-01-13. Review status: criteria provided, single submitter. Criteria: ICSL Variant Classification Criteria 13 December 2019. Collection method: clinical testing. Allele origin: germline.
Comment: This variant was observed in the ICSL laboratory as part of a predisposition screen in an ostensibly healthy population. It had not been previously curated by ICSL or reported in the Human Gene Mutation Database (HGMD: prior to June 1st, 2018), and was therefore a candidate for classification through an automated scoring system. Utilizing variant allele frequency, disease prevalence and penetrance estimates, and inheritance mode, an automated score was calculated to assess if this variant is too frequent to cause the disease. Based on the score and internal cut-off values, a variant classified as benign is not then subjected to further curation. The score for this variant resulted in a classification of benign for this disease.

Breakthrough Genomics
Classification: Benign. Review status: criteria provided, single submitter. Criteria: ACMG Guidelines, 2015. Collection method: not provided. Allele origin: germline. Inheritance: Autosomal recessive inheritance. Affected: yes.

NM_000318.3(PEX2):c.*1601T>A

Gene: PEX2 (peroxisomal biogenesis factor 2; minus strand). Cytogenetic location: 8q21.13.
Variant type: single nucleotide variant.
Coding change: c.*1601T>A on transcript NM_000318.3 (MANE Select); 1601 bases downstream of the stop codon, T replaced by A.
Molecular consequence: 3 prime UTR variant.
Genome position (GRCh38, 1-based): chr8:76,981,660, A>T on the plus strand (T>A on the coding strand, the complement: PEX2 is on the minus strand). VCF-style: chr8-76981660-A-T. GRCh37 (hg19) VCF-style: chr8-77893896-A-T.
Other names: c.*1601T>A (NM_001079867.2, NM_001172086.2, NM_001172087.2).
Identifiers: ClinVar variation 910258 (VCV000910258.5), dbSNP rs116949534, ClinGen allele CA179988067.